The following is an entry in ClinVar:

ClinVar aggregate classification (germline): Uncertain significance (1 of 4 stars; one submission).

Conditions:
Inborn genetic diseases. Identifiers: MedGen C0950123, MeSH D030342.

Submission:

Ambry Genetics
Classification: Uncertain significance for Inborn genetic diseases. Last evaluated: 2025-10-16. Review status: criteria provided, single submitter. Criteria: Ambry Variant Classification Scheme 2023. Collection method: clinical testing. Allele origin: germline.
Comment: The p.E461K variant (also known as c.1381G>A), located in coding exon 1 of the SAMD9L gene, results from a G to A substitution at nucleotide position 1381. The glutamic acid at codon 461 is replaced by lysine, an amino acid with similar properties. This amino acid position is conserved. In addition, this alteration is predicted to be tolerated by in silico analysis. Based on the available evidence, the clinical significance of this variant remains unclear.

NM_152703.5(SAMD9L):c.1381G>A (p.Glu461Lys)

Gene: SAMD9L (sterile alpha motif domain containing 9 like; minus strand). Cytogenetic location: 7q21.2.
Variant type: single nucleotide variant.
Coding change: c.1381G>A on transcript NM_152703.5 (MANE Select); coding-DNA position 1381, G replaced by A.
Protein change: p.Glu461Lys; replaces glutamic acid 461 with lysine.
Molecular consequence: missense variant.
Genome position (GRCh38, 1-based): chr7:93,134,591, C>T on the plus strand (G>A on the coding strand, the complement: SAMD9L is on the minus strand). VCF-style: chr7-93134591-C-T. GRCh37 (hg19) VCF-style: chr7-92763904-C-T.
Other names: c.1381G>A, p.Glu461Lys (NM_001303496.3, NM_001303497.3, NM_001303498.3 and 5 more transcripts); short protein forms E461K.
Identifiers: ClinVar variation 4630063 (VCV004630063.1).